The following is an entry in ClinVar:

NM_001256864.2(DNAJC6):c.2838C>T (p.Tyr946=)

Gene: DNAJC6 (DnaJ heat shock protein family (Hsp40) member C6; plus strand). Cytogenetic location: 1p31.3.
Variant type: single nucleotide variant.
Coding change: c.2838C>T on transcript NM_001256864.2 (MANE Select); coding-DNA position 2838, C replaced by T.
Protein change: p.Tyr946=; no amino-acid change (tyrosine 946 retained).
Molecular consequence: synonymous variant.
Genome position (GRCh38, 1-based): chr1:65,412,950, C>T. VCF-style: chr1-65412950-C-T. GRCh37 (hg19) VCF-style: chr1-65878633-C-T.
Other names: c.2628C>T, p.Tyr876= (NM_001256865.2); c.2667C>T, p.Tyr889= (NM_014787.4).
Identifiers: ClinVar variation 474680 (VCV000474680.17), dbSNP rs148209150, ClinGen allele CA894252.

ClinVar aggregate classification (germline): Likely benign. Review status: criteria provided, multiple submitters, no conflicts (2 of 4 stars). 2 submissions from 2 submitters: Likely benign (2). Last evaluated 2025-08-01.

Conditions:
Juvenile onset Parkinson disease 19A. Also called: DNAJC6 Parkinson Disease; PARK19. Identifiers: Orphanet 391411, MedGen C3809811, MONDO:0014231, OMIM 615528.

Allele frequency attached by ClinVar (database versions not stated): gnomAD 0.00002; TOPMed 0.00003; gnomAD exomes 0.00005; ExAC 0.00006; ESP Exome Variant Server 0.00008; 1000 Genomes Project 30x 0.00016.
gnomAD v4.1: 48 of 1,613,950 alleles (0.003%); highest among the groups gnomAD compares: South Asian, 0.035%; 1 homozygote.

Submissions (2):

CeGaT Center for Human Genetics Tuebingen
Classification: Likely benign. Last evaluated: 2025-08-01. Review status: criteria provided, single submitter. Criteria: CeGaT Center For Human Genetics Tuebingen Variant Classification Criteria Version 2. Collection method: clinical testing. Allele origin: germline. Affected: yes. Observed: 1 variant allele.
Comment: DNAJC6: BP4, BP7

Labcorp Genetics (formerly Invitae), Labcorp
Classification: Likely benign for Juvenile onset Parkinson disease 19A. Last evaluated: 2025-04-04. Review status: criteria provided, single submitter. Criteria: Invitae Variant Classification Sherloc (09022015). Collection method: clinical testing. Allele origin: germline.